The following is an entry in ClinVar:

NM_012471.3(TRPC5):c.2374G>A (p.Ala792Thr)

Gene: TRPC5 (transient receptor potential cation channel subfamily C member 5; minus strand). Cytogenetic location: Xq23.
Variant type: single nucleotide variant.
Coding change: c.2374G>A on transcript NM_012471.3 (MANE Select); coding-DNA position 2374, G replaced by A.
Protein change: p.Ala792Thr; replaces alanine 792 with threonine.
Molecular consequence: missense variant.
Genome position (GRCh38, 1-based): chrX:111,776,861, C>T on the plus strand (G>A on the coding strand, the complement: TRPC5 is on the minus strand). VCF-style: chrX-111776861-C-T. GRCh37 (hg19) VCF-style: chrX-111020089-C-T.
Other names: short protein forms A792T.
Identifiers: ClinVar variation 4985288 (VCV004985288.1).

ClinVar aggregate classification (germline): Uncertain significance (1 of 4 stars; one submission).

Conditions:
TRPC5-related disorder. Also called: TRPC5-related condition.

gnomAD v4.1: 12 of 1,209,696 alleles (0.00099%); highest among the groups gnomAD compares: Non-Finnish European, 0.0012%; no homozygotes.

Submission:

PreventionGenetics, part of Exact Sciences
Classification: Uncertain significance for TRPC5-related condition. Last evaluated: 2026-01-21. Review status: criteria provided, single submitter. Criteria: ACMG Guidelines, 2015. Collection method: clinical testing. Allele origin: germline.
Comment: The TRPC5 c.2374G>A variant is predicted to result in the amino acid substitution p.Ala792Thr. To our knowledge, this variant has not been reported in the literature. This variant is reported in 0.0022% of alleles in individuals of European (Non-Finnish) descent in gnomAD. At this time, the clinical significance of this variant is uncertain due to the absence of conclusive functional and genetic evidence.